The following is an entry in ClinVar:

ClinVar aggregate classification (germline): Uncertain significance. Review status: criteria provided, multiple submitters, no conflicts (2 of 4 stars). 3 submissions from 3 submitters: Uncertain significance (3). Last evaluated 2025-07-09.

Conditions:
Familial adenomatous polyposis 1 (FAP1). Also called: FAMILIAL ADENOMATOUS POLYPOSIS 1, ATTENUATED; POLYPOSIS, ADENOMATOUS INTESTINAL. Identifiers: MedGen C2713442, MONDO:0021056, OMIM 175100. Disease mechanism: loss of function.
Colorectal cancer. Also called: Colorectal cancer, somatic; Malignant Colorectal Neoplasm. Identifiers: MedGen C0346629, MONDO:0005575, OMIM 114500.
Gastric adenocarcinoma and proximal polyposis of the stomach (GAPPS). Also called: Polyposis, gastric, Dos Santos and de Magalhaes 1980; POLYPOSIS, GASTRIC; Gastric Adenocarcinoma and Proximal Polyposis of the Stomach (GAPPS). Identifiers: Orphanet 314022, MedGen C4749917, MONDO:0017790, OMIM 619182.
Desmoid disease, hereditary (DESMD). Also called: FIBROMATOSIS, FAMILIAL INFILTRATIVE. Identifiers: Orphanet 873, MedGen C1851124, OMIM 135290. Disease mechanism: loss of function.
Hepatocellular carcinoma (HCC). Also called: Primary carcinoma of liver; HEPATOMA; LIVER CELL CARCINOMA. Identifiers: Orphanet 88673, MedGen C2239176, MONDO:0007256, OMIM 114550, HP:0001402.
Gastric cancer. Also called: Stomach cancer; Malignant tumor of stomach. Identifiers: MedGen C0024623, MeSH D013274, MONDO:0001056, OMIM 613659, HP:0012126.
Hereditary cancer-predisposing syndrome. Also called: Neoplastic Syndromes, Hereditary; Hereditary Cancer Syndrome; Hereditary neoplastic syndrome; Tumor predisposition. Identifiers: Orphanet 140162, MedGen C0027672, MeSH D009386, MONDO:0015356.

Submissions (3):

Ambry Genetics
Classification: Uncertain significance for Hereditary cancer-predisposing syndrome. Last evaluated: 2025-07-09. Review status: criteria provided, single submitter. Criteria: Ambry Variant Classification Scheme 2023. Collection method: clinical testing. Allele origin: germline.
Comment: The c.1626+4C>G intronic variant results from a C to G substitution 4 nucleotides after coding exon 12 in the APC gene. This nucleotide position is not well conserved in available vertebrate species. In silico splice site analysis predicts that this alteration may result in the creation or strengthening of a novel splice donor site. Based on the available evidence, the clinical significance of this variant remains unclear.

Labcorp Genetics (formerly Invitae), Labcorp
Classification: Uncertain significance for Familial adenomatous polyposis 1. Last evaluated: 2023-12-08. Review status: criteria provided, single submitter. Criteria: Invitae Variant Classification Sherloc (09022015). Collection method: clinical testing. Allele origin: germline.
Comment: This sequence change falls in intron 13 of the APC gene. It does not directly change the encoded amino acid sequence of the APC protein. It affects a nucleotide within the consensus splice site. This variant is not present in population databases (gnomAD no frequency). This variant has not been reported in the literature in individuals affected with APC-related conditions. ClinVar contains an entry for this variant (Variation ID: 1009724). Variants that disrupt the consensus splice site are a relatively common cause of aberrant splicing (PMID: 17576681, 9536098). Algorithms developed to predict the effect of sequence changes on RNA splicing suggest that this variant is not likely to affect RNA splicing. In summary, the available evidence is currently insufficient to determine the role of this variant in disease. Therefore, it has been classified as a Variant of Uncertain Significance.

Department of Pathology and Laboratory Medicine, Sinai Health System
Classification: Uncertain significance for Colorectal cancer; Hepatocellular carcinoma; Desmoid disease, hereditary; Familial adenomatous polyposis 1; Gastric cancer; Gastric adenocarcinoma and proximal polyposis of the stomach. Last evaluated: 2023-10-25. Review status: criteria provided, single submitter. Criteria: ACMG Guidelines, 2015. Collection method: clinical testing. Allele origin: germline. Affected: no.

Literature cited by the submitters: PubMed 17576681 (cited by Labcorp Genetics (formerly Invitae), Labcorp); PubMed 9536098 (cited by Labcorp Genetics (formerly Invitae), Labcorp).

NM_000038.6(APC):c.1626+4C>G

Gene: APC (APC regulator of Wnt signaling pathway; plus strand). Cytogenetic location: 5q22.2.
Variant type: single nucleotide variant.
Coding change: c.1626+4C>G on transcript NM_000038.6 (MANE Select); 4 bases into the intron after coding-DNA position 1626, C replaced by G.
Molecular consequence: intron variant.
Genome position (GRCh38, 1-based): chr5:112,828,010, C>G. VCF-style: chr5-112828010-C-G. GRCh37 (hg19) VCF-style: chr5-112163707-C-G.
Other names: c.1626+4C>G (NM_000038.5, NM_001354895.2, NM_001127510.3); c.1656+4C>G (NM_001354897.2); c.1353+4C>G (NM_001354902.2); c.1572+4C>G (NM_001127511.3); c.1551+4C>G (NM_001354898.2); c.1248+4C>G (NM_001354904.2); c.777+4C>G (NM_001354906.2); c.1680+4C>G (NM_001354896.2); and 5 more.
Identifiers: ClinVar variation 1009724 (VCV001009724.10), dbSNP rs1202435147, ClinGen allele CA1573507254.